The following is an entry in ClinVar:

ClinVar aggregate classification (germline): Uncertain significance (1 of 4 stars; one submission).

Submission:

Mayo Clinic Laboratories, Mayo Clinic
Classification: Uncertain significance. Last evaluated: 2025-11-14. Review status: criteria provided, single submitter. Criteria: ACMG Guidelines, 2015. Collection method: clinical testing. Allele origin: germline. Observed: 1 variant allele.
Comment: PP3_moderate, PM2_supporting

NM_002336.3(LRP6):c.3074G>T (p.Ser1025Ile)

Gene: LRP6 (LDL receptor related protein 6; minus strand). Cytogenetic location: 12p13.2.
Variant type: single nucleotide variant.
Coding change: c.3074G>T on transcript NM_002336.3 (MANE Select); coding-DNA position 3074, G replaced by T.
Protein change: p.Ser1025Ile; replaces serine 1025 with isoleucine.
Molecular consequence: missense variant. On other transcripts: non-coding transcript variant (1).
Genome position (GRCh38, 1-based): chr12:12,149,074, C>A on the plus strand (G>T on the coding strand, the complement: LRP6 is on the minus strand). VCF-style: chr12-12149074-C-A. GRCh37 (hg19) VCF-style: chr12-12302008-C-A.
Other names: p.Ser1025Ile; c.2621G>T, p.Ser874Ile (NM_001414253.1, NM_001414254.1, NM_001414252.1); c.2567G>T, p.Ser856Ile (NM_001414255.1); c.3074G>T, p.Ser1025Ile (NM_001414244.1, NM_001414245.1, NM_001414246.1 and 4 more transcripts); c.2876G>T, p.Ser959Ile (NM_001414247.1); short protein forms S874I, S1025I, S959I, S856I.
Identifiers: ClinVar variation 4541698 (VCV004541698.1).